The following is an entry in ClinVar:

ClinVar aggregate classification (germline): Uncertain significance (1 of 4 stars; one submission).

Conditions:
Mucopolysaccharidosis, MPS-IV-A (MPS4A). Also called: Mucopolysaccharidosis type IV A; Mucopolysaccharidosis Type IVA; Morquio syndrome A, mild; MORQUIO SYNDROME A; MPS IVA; mucopolysaccharidosis type 4A. Identifiers: Orphanet 309297, Orphanet 582, MedGen C0086651, MONDO:0009659, OMIM 253000.

Submission:

Laboratory of Diagnosis and Therapy of Lysosomal Disorders, University of Padova
Classification: Uncertain significance for Mucopolysaccharidosis, MPS-IV-A. Last evaluated: 2021-02-01. Review status: criteria provided, single submitter. Criteria: ACMG Guidelines, 2015. Collection method: curation. Allele origin: germline. Affected: yes.
Comment: In vivo functional studies supportive of a damaging effect on the gene product (low to null enzymatic activity in homozygotes; PS3_supporting); absent from gnomAD v2.1.1 (PM2_moderate); multiple lines of computational evidence support a deleterious effect on the gene (PP3_supporting)

Literature cited by the submitters: PubMed 26147980; PubMed 34387910.

NM_000512.5(GALNS):c.298A>C (p.Thr100Pro)

Gene: GALNS (galactosamine (N-acetyl)-6-sulfatase; minus strand). Cytogenetic location: 16q24.3.
Variant type: single nucleotide variant.
Coding change: c.298A>C on transcript NM_000512.5 (MANE Select); coding-DNA position 298, A replaced by C.
Protein change: p.Thr100Pro; replaces threonine 100 with proline.
Molecular consequence: missense variant. On other transcripts: 5 prime UTR variant (1).
Genome position (GRCh38, 1-based): chr16:88,841,918, T>G on the plus strand (A>C on the coding strand, the complement: GALNS is on the minus strand). VCF-style: chr16-88841918-T-G. GRCh37 (hg19) VCF-style: chr16-88908326-T-G.
Other names: c.-258A>C (NM_001323543.2); c.316A>C, p.Thr106Pro (NM_001323544.2); short protein forms T100P, T106P.
Identifiers: ClinVar variation 1048182 (VCV001048182.3), dbSNP rs1597581827, ClinGen allele CA397089070.